The following is an entry in ClinVar:

ClinVar aggregate classification (germline): Uncertain significance. Review status: criteria provided, multiple submitters, no conflicts (2 of 4 stars). 2 submissions from 2 submitters: Uncertain significance (2). Last evaluated 2024-12-31.

Conditions:
Inborn genetic diseases. Identifiers: MedGen C0950123, MeSH D030342.

Allele frequency attached by ClinVar (database versions not stated): TOPMed 0.00002.
gnomAD v4.1: 9 of 1,589,988 alleles (0.00057%); highest among the groups gnomAD compares: African/African-American, 0.0094%; no homozygotes.

Submissions (2):

Ambry Genetics
Classification: Uncertain significance for Inborn genetic diseases. Last evaluated: 2024-12-31. Review status: criteria provided, single submitter. Criteria: Ambry Variant Classification Scheme 2023. Collection method: clinical testing. Allele origin: germline.

Labcorp Genetics (formerly Invitae), Labcorp
Classification: Uncertain significance. Last evaluated: 2024-01-19. Review status: criteria provided, single submitter. Criteria: Invitae Variant Classification Sherloc (09022015). Collection method: clinical testing. Allele origin: germline.
Comment: This sequence change replaces proline, which is neutral and non-polar, with leucine, which is neutral and non-polar, at codon 220 of the CNGB1 protein (p.Pro220Leu). The frequency data for this variant in the population databases is considered unreliable, as metrics indicate poor data quality at this position in the gnomAD database. This variant has not been reported in the literature in individuals affected with CNGB1-related conditions. ClinVar contains an entry for this variant (Variation ID: 836549). Advanced modeling of protein sequence and biophysical properties (such as structural, functional, and spatial information, amino acid conservation, physicochemical variation, residue mobility, and thermodynamic stability) performed at Invitae indicates that this missense variant is not expected to disrupt CNGB1 protein function with a negative predictive value of 95%. In summary, the available evidence is currently insufficient to determine the role of this variant in disease. Therefore, it has been classified as a Variant of Uncertain Significance.

NM_001297.5(CNGB1):c.659C>T (p.Pro220Leu)

Gene: CNGB1 (cyclic nucleotide gated channel subunit beta 1; minus strand). Cytogenetic location: 16q21.
Variant type: single nucleotide variant.
Coding change: c.659C>T on transcript NM_001297.5 (MANE Select); coding-DNA position 659, C replaced by T.
Protein change: p.Pro220Leu; replaces proline 220 with leucine.
Molecular consequence: missense variant.
Genome position (GRCh38, 1-based): chr16:57,959,990, G>A on the plus strand (C>T on the coding strand, the complement: CNGB1 is on the minus strand). VCF-style: chr16-57959990-G-A. GRCh37 (hg19) VCF-style: chr16-57993894-G-A.
Other names: c.659C>T, p.Pro220Leu (NM_001135639.2); c.641C>T, p.Pro214Leu (NM_001286130.2); short protein forms P214L, P220L.
Identifiers: ClinVar variation 836549 (VCV000836549.12), dbSNP rs756293354, ClinGen allele CA8083724.